The following is an entry in ClinVar:

NM_022455.5(NSD1):c.2428T>C (p.Cys810Arg)

Gene: NSD1 (nuclear receptor binding SET domain protein 1; plus strand). Cytogenetic location: 5q35.3.
Variant type: single nucleotide variant.
Coding change: c.2428T>C on transcript NM_022455.5 (MANE Select); coding-DNA position 2428, T replaced by C.
Protein change: p.Cys810Arg; replaces cysteine 810 with arginine.
Molecular consequence: missense variant.
Genome position (GRCh38, 1-based): chr5:177,210,827, T>C. VCF-style: chr5-177210827-T-C. GRCh37 (hg19) VCF-style: chr5-176637828-T-C.
Other names: c.1555T>C, p.Cys519Arg (NM_001365684.2, NM_001409306.1, NM_001409307.1 and 3 more transcripts); c.2428T>C, p.Cys810Arg (NM_001409301.1, NM_001409302.1, NM_001409303.1); c.2008T>C, p.Cys670Arg (NM_001409304.1); c.1675T>C, p.Cys559Arg (NM_001409305.1); short protein forms C559R, C670R, C810R, C519R.
Identifiers: ClinVar variation 2585159 (VCV002585159.1), dbSNP rs2149845506, ClinGen allele CA362317744.

ClinVar aggregate classification (germline): Uncertain significance (1 of 4 stars; one submission).

Conditions:
Sotos syndrome (SOTOS). Also called: Sotos' syndrome; Distinctive facial appearance, overgrowth in childhood, and learning disabilities or delayed development; CEREBRAL GIGANTISM; CHROMOSOME 5q35 DELETION SYNDROME; SOTOS SYNDROME 1. Identifiers: Orphanet 821, MedGen C0175695, MONDO:0019349, OMIM 117550.

Submission:

Neuberg Centre For Genomic Medicine, NCGM
Classification: Uncertain significance for Sotos syndrome. Review status: criteria provided, single submitter. Criteria: ACMG Guidelines, 2015. Collection method: clinical testing. Allele origin: germline. Inheritance: Autosomal dominant inheritance. Affected: yes.
Comment: The missense variant c.2428T>C(p.Cys810Arg) in NSD1 gene has not been reported previously as a pathogenic variant nor as a benign variant, to our knowledge. The p.Cys810Arg variant is novel (not in any individuals) in gnomAD Exomes and 1000 Genomes.The amino acid Cys at position 810 is changed to a Arg changing protein sequence and it might alter its composition and physico-chemical properties. The amino acid change p.Cys810Arg in NSD1 is predicted as conserved by GERP++ and PhyloP across 100 vertebrates. For these reasons, this variant has been classified as Uncertain Significance .